The following is an entry in ClinVar:

ClinVar aggregate classification (germline): Likely benign. Review status: criteria provided, multiple submitters, no conflicts (2 of 4 stars). 2 submissions from 2 submitters: Likely benign (2). Last evaluated 2025-01-20.

Allele frequency attached by ClinVar (database versions not stated): ESP Exome Variant Server 0.00008; TOPMed 0.00008; ExAC 0.00009; gnomAD 0.00013.
gnomAD v4.1: 245 of 1,613,752 alleles (0.015%); highest among the groups gnomAD compares: Non-Finnish European, 0.019%; no homozygotes.

Submissions (2):

Labcorp Genetics (formerly Invitae), Labcorp
Classification: Likely benign. Last evaluated: 2025-01-20. Review status: criteria provided, single submitter. Criteria: Invitae Variant Classification Sherloc (09022015). Collection method: clinical testing. Allele origin: germline.

GeneDx
Classification: Likely benign. Last evaluated: 2024-04-02. Review status: criteria provided, single submitter. Criteria: GeneDx Variant Classification Process June 2021. Collection method: clinical testing. Allele origin: germline. Affected: yes.
Comment: See Variant Classification Assertion Criteria.

NM_001170629.2(CHD8):c.6051C>T (p.Pro2017=)

Gene: CHD8 (chromodomain helicase DNA binding protein 8; minus strand). Cytogenetic location: 14q11.2.
Variant type: single nucleotide variant.
Coding change: c.6051C>T on transcript NM_001170629.2 (MANE Select); coding-DNA position 6051, C replaced by T.
Protein change: p.Pro2017=; no amino-acid change (proline 2017 retained).
Molecular consequence: synonymous variant.
Genome position (GRCh38, 1-based): chr14:21,393,744, G>A on the plus strand (C>T on the coding strand, the complement: CHD8 is on the minus strand). VCF-style: chr14-21393744-G-A. GRCh37 (hg19) VCF-style: chr14-21861903-G-A.
Other names: c.6051C>T (NM_001170629.1); c.5214C>T, p.Pro1738= (NM_020920.4).
Identifiers: ClinVar variation 2415074 (VCV002415074.8), dbSNP rs372539313, ClinGen allele CA7090847.
Genomic context (GRCh38, chr14:21,393,744, plus strand): 5'-GGTTGGTCGGCTCCTGGCCACCACCTCGTGCTCTAGCTTTAAAGTCAGACTCTCCAGACT[G>A]GGGACCTGGGTAGCTGTCTCCTCGGGTGACTTTTCAACAGGAGCATCTGGGCGCAGGGGC-3'
Protein context (NP_001164100.1, residues 2007-2027): KSPEETATQV[Pro2017=]SLESLTLKLE